The following is an entry in ClinVar:

ClinVar aggregate classification (germline): Uncertain significance (1 of 4 stars; one submission).

Conditions:
Immunodeficiency 14 (IMD14A). Also called: ACTIVATED PI3K-DELTA SYNDROME 1; p110-DELTA-ACTIVATING MUTATION CAUSING SENESCENT T CELLS, LYMPHADENOPATHY, AND IMMUNODEFICIENCY; Activated PI3K Delta Syndrome Type 1 (APDS1); IMMUNODEFICIENCY 14A WITH LYMPHOPROLIFERATION, AUTOSOMAL DOMINANT. Identifiers: Orphanet 397596, Orphanet 693661, MedGen C5907821, MONDO:0014222, OMIM 615513.

Submission:

Labcorp Genetics (formerly Invitae), Labcorp
Classification: Uncertain significance for Activated PI3K-delta syndrome. Last evaluated: 2025-12-15. Review status: criteria provided, single submitter. Criteria: Invitae Variant Classification Sherloc (09022015). Collection method: clinical testing. Allele origin: germline.
Comment: This sequence change replaces alanine, which is neutral and non-polar, with glutamic acid, which is acidic and polar, at codon 308 of the PIK3CD protein (p.Ala308Glu). This variant is not present in population databases (gnomAD no frequency). This variant has not been reported in the literature in individuals affected with PIK3CD-related conditions. ClinVar contains an entry for this variant (Variation ID: 2896110). Invitae Evidence Modeling of protein sequence and biophysical properties (such as structural, functional, and spatial information, amino acid conservation, physicochemical variation, residue mobility, and thermodynamic stability) indicates that this missense variant is not expected to disrupt PIK3CD protein function with a negative predictive value of 80%. In summary, the available evidence is currently insufficient to determine the role of this variant in disease. Therefore, it has been classified as a Variant of Uncertain Significance.

NM_005026.5(PIK3CD):c.923C>A (p.Ala308Glu)

Gene: PIK3CD (phosphatidylinositol-4,5-bisphosphate 3-kinase catalytic subunit delta; plus strand). Cytogenetic location: 1p36.22.
Variant type: single nucleotide variant.
Coding change: c.923C>A on transcript NM_005026.5 (MANE Select); coding-DNA position 923, C replaced by A.
Protein change: p.Ala308Glu; replaces alanine 308 with glutamic acid.
Molecular consequence: missense variant.
Genome position (GRCh38, 1-based): chr1:9,717,101, C>A. VCF-style: chr1-9717101-C-A. GRCh37 (hg19) VCF-style: chr1-9777159-C-A.
Other names: c.923C>A, p.Ala308Glu (NM_001350234.2); c.836C>A, p.Ala279Glu (NM_001350235.1); short protein forms A279E, A308E.
Identifiers: ClinVar variation 2896110 (VCV002896110.3), dbSNP rs749687214, ClinGen allele CA338301693.